The following is an entry in ClinVar:

ClinVar aggregate classification (germline): Uncertain significance (1 of 4 stars; one submission).

Conditions:
Autosomal recessive limb-girdle muscular dystrophy type 2J (LGMDR10). Also called: MUSCULAR DYSTROPHY, LIMB-GIRDLE, AUTOSOMAL RECESSIVE 10; Limb-girdle muscular dystrophy, type 2J. Identifiers: Orphanet 140922, MedGen C1837342, MONDO:0012127, OMIM 608807.
Dilated cardiomyopathy 1G (CMD1G). Identifiers: Orphanet 154, MedGen C1858763, MONDO:0011400, OMIM 604145.

Allele frequency attached by ClinVar (database versions not stated): gnomAD exomes below 0.00001; TOPMed below 0.00001; ExAC 0.00001.
gnomAD v4.1: 1 of 1,614,016 alleles (0.000062%); highest among the groups gnomAD compares: Admixed American, 0.0017%; no homozygotes.

Submission:

Labcorp Genetics (formerly Invitae), Labcorp
Classification: Uncertain significance for Dilated cardiomyopathy 1G; Autosomal recessive limb-girdle muscular dystrophy type 2J. Last evaluated: 2021-11-19. Review status: criteria provided, single submitter. Criteria: Invitae Variant Classification Sherloc (09022015). Collection method: clinical testing. Allele origin: germline.
Comment: In summary, the available evidence is currently insufficient to determine the role of this variant in disease. Therefore, it has been classified as a Variant of Uncertain Significance. This variant is present in population databases (rs769765778, gnomAD 0.003%). This variant is located in the I band of TTN (PMID: 25589632). Variants in this region may be clinically relevant, but have not been definitively shown to cause cardiomyopathy or neuromuscular disease (PMID: 27493940, 32778822). Variants that disrupt the consensus splice site are a relatively common cause of aberrant splicing (PMID: 17576681, 9536098). Algorithms developed to predict the effect of sequence changes on RNA splicing suggest that this variant may disrupt the consensus splice site. This variant has not been reported in the literature in individuals affected with TTN-related conditions. This sequence change falls in intron 32 of the TTN gene. It does not directly change the encoded amino acid sequence of the TTN protein. It affects a nucleotide within the consensus splice site.

Literature cited by the submitters: PubMed 25589632; PubMed 27493940; PubMed 32778822; PubMed 17576681; PubMed 9536098.

NM_001267550.2(TTN):c.7594+3A>G

Gene: TTN (titin; minus strand). Cytogenetic location: 2q31.2.
Variant type: single nucleotide variant.
Coding change: c.7594+3A>G on transcript NM_001267550.2 (MANE Select); 3 bases into the intron after coding-DNA position 7594, A replaced by G.
Molecular consequence: intron variant.
Genome position (GRCh38, 1-based): chr2:178,773,459, T>C on the plus strand (A>G on the coding strand, the complement: TTN is on the minus strand). VCF-style: chr2-178773459-T-C. GRCh37 (hg19) VCF-style: chr2-179638186-T-C.
Other names: c.7456+3A>G (NM_003319.4, NM_133437.4, NM_133432.3); c.7594+3A>G (NM_133378.4, NM_001256850.1, NM_133379.5).
Identifiers: ClinVar variation 1409762 (VCV001409762.6), dbSNP rs769765778, ClinGen allele CA2004789.